The following is an entry in ClinVar:

ClinVar aggregate classification (germline): Benign (1 of 4 stars; one submission).

Allele frequency attached by ClinVar (database versions not stated): gnomAD exomes 0.00838 and 0.02075; ExAC 0.01386; gnomAD 0.08335 and 0.08640.

Submission:

Laboratory for Molecular Medicine, Mass General Brigham Personalized Medicine
Classification: Benign. Last evaluated: 2016-03-28. Review status: criteria provided, single submitter. Criteria: LMM Criteria. Collection method: clinical testing. Allele origin: germline.
Comment: Variant identified in a genome or exome case(s) and assessed due to predicted null impact of the variant or pathogenic assertions in the literature or databases. Disclaimer: This variant has not undergone full assessment. The following are preliminary notes: To date, only repeat expansions in this gene are known to be implicated in disease

NM_001388492.1(HTT):c.105_106del (p.Gln36fs)

Genes: HTT (huntingtin; plus strand), LOC109461479 (huntingtin repeat instability region; plus strand), LOC129929027 (ATAC-STARR-seq lymphoblastoid silent region 15199; plus strand). Cytogenetic location: 4p16.3.
Variant type: Deletion.
Coding change: c.105_106del on transcript NM_001388492.1 (MANE Select); coding-DNA positions 105 to 106, 2 bases deleted (GC; older notation c.105_106delGC).
Protein change: p.Gln36fs; shifts the reading frame from glutamine 36.
Molecular consequence: frameshift variant.
Genome position (GRCh38, 1-based): chr4:3,074,924-3,074,925, GC deleted. VCF-style (leftmost placement, unchanged base first): chr4-3074923-AGC-A. GRCh37 (hg19) VCF-style: chr4-3076650-AGC-A.
Other names: NM_002111.6:c.99_100delGC; c.105_106del, p.Gln36fs (NM_002111.8); short protein forms Q36fs.
Identifiers: ClinVar variation 402952 (VCV000402952.4), dbSNP rs751281707, ClinGen allele CA2823106.
Genomic context (GRCh38, chr4:3,074,923, plus strand): 5'-CCCTCAAGTCCTTCCAGCAGCAGCAGCAGCAGCAGCAGCAGCAGCAGCAGCAGCAGCAGC[AGC>A]AGCAGCAGCAACAGCCGCCACCGCCGCCGCCGCCGCCGCCGCCTCCTCAGCTTCCTCAGC-3'